The following is an entry in ClinVar:

NM_002800.5(PSMB9):c.237C>T (p.Ala79=)

Gene: PSMB9 (proteasome 20S subunit beta 9; plus strand). Cytogenetic location: 6p21.32.
Variant type: single nucleotide variant.
Coding change: c.237C>T on transcript NM_002800.5 (MANE Select); coding-DNA position 237, C replaced by T.
Protein change: p.Ala79=; no amino-acid change (alanine 79 retained).
Molecular consequence: synonymous variant.
Genome position (GRCh38, 1-based): chr6:32,857,371, C>T. VCF-style: chr6-32857371-C-T. GRCh37 (hg19) VCF-style: chr6-32825148-C-T.
Identifiers: ClinVar variation 4979875 (VCV004979875.1).

ClinVar aggregate classification (germline): Likely benign (1 of 4 stars; one submission).

Conditions:
PSMB9-related disorder. Also called: PSMB9-related condition.

gnomAD v4.1: 30 of 1,612,532 alleles (0.0019%); highest among the groups gnomAD compares: South Asian, 0.03%; no homozygotes.

Submission:

PreventionGenetics, part of Exact Sciences
Classification: Likely benign for PSMB9-related condition. Last evaluated: 2025-09-21. Review status: criteria provided, single submitter. Criteria: ACMG Guidelines, 2015. Collection method: clinical testing. Allele origin: germline.
Comment: This variant is classified as likely benign based on ACMG/AMP sequence variant interpretation guidelines (Richards et al. 2015 PMID: 25741868, with internal and published modifications).